The following is an entry in ClinVar:

ClinVar aggregate classification (germline): Uncertain significance (1 of 4 stars; one submission).

Conditions:
Atrial fibrillation, familial, 7 (ATFB7). Identifiers: MedGen C2677106, MONDO:0012828, OMIM 612240.

Allele frequency attached by ClinVar (database versions not stated): gnomAD exomes below 0.00001.

Submission:

Labcorp Genetics (formerly Invitae), Labcorp
Classification: Uncertain significance for Atrial fibrillation, familial, 7. Last evaluated: 2023-12-10. Review status: criteria provided, single submitter. Criteria: Invitae Variant Classification Sherloc (09022015). Collection method: clinical testing. Allele origin: germline.
Comment: This sequence change replaces isoleucine, which is neutral and non-polar, with methionine, which is neutral and non-polar, at codon 489 of the KCNA5 protein (p.Ile489Met). This variant is present in population databases (no rsID available, gnomAD 0.003%). This variant has not been reported in the literature in individuals affected with KCNA5-related conditions. Advanced modeling of protein sequence and biophysical properties (such as structural, functional, and spatial information, amino acid conservation, physicochemical variation, residue mobility, and thermodynamic stability) performed at Invitae indicates that this missense variant is not expected to disrupt KCNA5 protein function with a negative predictive value of 80%. In summary, the available evidence is currently insufficient to determine the role of this variant in disease. Therefore, it has been classified as a Variant of Uncertain Significance.

NM_002234.4(KCNA5):c.1467C>G (p.Ile489Met)

Gene: KCNA5 (potassium voltage-gated channel subfamily A member 5; plus strand). Cytogenetic location: 12p13.32.
Variant type: single nucleotide variant.
Coding change: c.1467C>G on transcript NM_002234.4 (MANE Select); coding-DNA position 1467, C replaced by G.
Protein change: p.Ile489Met; replaces isoleucine 489 with methionine.
Molecular consequence: missense variant.
Genome position (GRCh38, 1-based): chr12:5,045,614, C>G. VCF-style: chr12-5045614-C-G. GRCh37 (hg19) VCF-style: chr12-5154780-C-G.
Other names: short protein forms I489M.
Identifiers: ClinVar variation 2908857 (VCV002908857.3), dbSNP rs1396628228, ClinGen allele CA383466556.
Genomic context (GRCh38, chr12:5,045,614, plus strand): 5'-CGCCTTCTGGTGGGCAGTGGTCACCATGACCACTGTGGGCTACGGGGACATGAGGCCCAT[C>G]ACTGTTGGGGGCAAGATCGTGGGCTCGCTGTGTGCCATCGCCGGGGTCCTCACCATTGCC-3'
Protein context (NP_002225.2, residues 479-499): TTVGYGDMRP[Ile489Met]TVGGKIVGSL